The following is an entry in ClinVar:

NM_003000.3(SDHB):c.12G>A (p.Val4=)

Gene: SDHB (succinate dehydrogenase complex iron sulfur subunit B; minus strand). Cytogenetic location: 1p36.13.
Variant type: single nucleotide variant.
Coding change: c.12G>A on transcript NM_003000.3 (MANE Select); coding-DNA position 12, G replaced by A.
Protein change: p.Val4=; no amino-acid change (valine 4 retained).
Molecular consequence: synonymous variant.
Genome position (GRCh38, 1-based): chr1:17,054,008, C>T on the plus strand (G>A on the coding strand, the complement: SDHB is on the minus strand). VCF-style: chr1-17054008-C-T. GRCh37 (hg19) VCF-style: chr1-17380503-C-T.
Identifiers: ClinVar variation 706212 (VCV000706212.15), dbSNP rs768683606, ClinGen allele CA089517.

ClinVar aggregate classification (germline): Benign/Likely benign. Review status: criteria provided, multiple submitters, no conflicts (2 of 4 stars). 3 submissions from 3 submitters: Benign (1); Likely benign (2). Last evaluated 2025-09-14.

Conditions:
Gastrointestinal stromal tumor. Also called: Gastrointestinal stromal tumor, somatic; Gastrointestinal stroma tumor. Identifiers: Orphanet 44890, MedGen C0238198, MeSH D046152, MONDO:0011719, OMIM 606764, HP:0100723.
Pheochromocytoma/paraganglioma syndrome 4. Also called: SDHB-Related Hereditary Paraganglioma-Pheochromocytoma Syndrome (Paragangliomas 4); SDHB-Related Hereditary Paraganglioma-Pheochromocytoma Syndrome; CAROTID BODY TUMORS AND MULTIPLE EXTRAADRENAL PHEOCHROMOCYTOMAS; PARAGANGLIOMA, FAMILIAL MALIGNANT; PARAGANGLIOMAS, HEREDITARY EXTRAADRENAL; PHEOCHROMOCYTOMA, FAMILIAL EXTRAADRENAL. Identifiers: Orphanet 29072, MedGen C1861848, MONDO:0007273, OMIM 115310.
Pheochromocytoma. Also called: MAX-Related Hereditary Paraganglioma-Pheochromocytoma Syndrome. Identifiers: Orphanet 29072, MedGen C0031511, MONDO:0008233, OMIM 171300, HP:0002666.
Hereditary cancer-predisposing syndrome. Also called: Neoplastic Syndromes, Hereditary; Hereditary Cancer Syndrome; Hereditary neoplastic syndrome; Tumor predisposition. Identifiers: Orphanet 140162, MedGen C0027672, MeSH D009386, MONDO:0015356.

Allele frequency attached by ClinVar (database versions not stated): gnomAD exomes below 0.00001; ExAC 0.00001.
gnomAD v4.1: 2 of 1,610,928 alleles (0.00012%); highest among the groups gnomAD compares: Non-Finnish European, 0.00017%; no homozygotes.

Submissions (3):

Labcorp Genetics (formerly Invitae), Labcorp
Classification: Likely benign for Gastrointestinal stromal tumor; Pheochromocytoma/paraganglioma syndrome 4; Pheochromocytoma. Last evaluated: 2025-09-14. Review status: criteria provided, single submitter. Criteria: Invitae Variant Classification Sherloc (09022015). Collection method: clinical testing. Allele origin: germline.

Myriad Genetics, Inc.
Classification: Benign for Pheochromocytoma/paraganglioma syndrome 4. Last evaluated: 2025-03-11. Review status: criteria provided, single submitter. Criteria: Myriad Autosomal Dominant, Autosomal Recessive and X-Linked Classification Criteria (2023). Collection method: clinical testing. Allele origin: unknown.
Comment: This variant is considered benign. This variant is a silent/synonymous amino acid change and it is not expected to impact splicing.

Ambry Genetics
Classification: Likely benign for Hereditary cancer-predisposing syndrome. Last evaluated: 2019-06-18. Review status: criteria provided, single submitter. Criteria: Ambry Variant Classification Scheme 2023. Collection method: clinical testing. Allele origin: germline.